The following is an entry in ClinVar:

ClinVar aggregate classification (germline): Pathogenic (1 of 4 stars; one submission).

Conditions:
Spastic paraplegia. Identifiers: MedGen C0037772, HP:0001258.

Submission:

Labcorp Genetics (formerly Invitae), Labcorp
Classification: Pathogenic for Spastic paraplegia. Last evaluated: 2023-06-18. Review status: criteria provided, single submitter. Criteria: Invitae Variant Classification Sherloc (09022015). Collection method: clinical testing. Allele origin: germline.
Comment: This sequence change creates a premature translational stop signal (p.Cys404Valfs*26) in the L1CAM gene. It is expected to result in an absent or disrupted protein product. Loss-of-function variants in L1CAM are known to be pathogenic (PMID: 19846429). For these reasons, this variant has been classified as Pathogenic. This variant has not been reported in the literature in individuals affected with L1CAM-related conditions. This variant is not present in population databases (gnomAD no frequency).

Literature cited by the submitters: PubMed 19846429.

NM_001278116.2(L1CAM):c.1210del (p.Cys404fs)

Gene: L1CAM (L1 cell adhesion molecule; minus strand). Cytogenetic location: Xq28.
Variant type: Deletion.
Coding change: c.1210del on transcript NM_001278116.2 (MANE Select); coding-DNA position 1210, one base deleted (T; older notation c.1210delT).
Protein change: p.Cys404fs; shifts the reading frame from cysteine 404.
Molecular consequence: frameshift variant.
Genome position (GRCh38, 1-based): chrX:153,869,577, A deleted on the plus strand (T on the coding strand, the reverse complement: L1CAM is on the minus strand). VCF-style (leftmost placement, unchanged base first): chrX-153869576-CA-C. GRCh37 (hg19) VCF-style: chrX-153135031-CA-C.
Other names: c.1210del, p.Cys404fs (NM_000425.5, NM_024003.3); c.1195del, p.Cys399fs (NM_001143963.2); short protein forms C399fs, C404fs.
Identifiers: ClinVar variation 2718973 (VCV002718973.3), dbSNP rs2521011529, ClinGen allele CA2697544831.